The following is an entry in ClinVar:

ClinVar aggregate classification (germline): Conflicting classifications of pathogenicity. Review status: criteria provided, conflicting classifications (1 of 4 stars). 5 submissions from 4 submitters: Uncertain significance (4); Benign (1). Last evaluated 2026-01-18.

Conditions:
Hereditary cancer-predisposing syndrome. Also called: Hereditary Cancer Syndrome; Neoplastic Syndromes, Hereditary; Tumor predisposition; Hereditary neoplastic syndrome. Identifiers: Orphanet 140162, MedGen C0027672, MeSH D009386, MONDO:0015356.
Cardiovascular phenotype. Identifiers: MedGen CN230736.
Neurofibromatosis, type 1 (NF1). Also called: Neurofibromatosis, type I; VON RECKLINGHAUSEN DISEASE; NEUROFIBROMATOSIS, TYPE I, SOMATIC; Peripheral type neurofibromatosis. Identifiers: Orphanet 636, MedGen C0027831, MONDO:0018975, OMIM 162200. Disease mechanism: loss of function.

gnomAD v4.1: 1 of 1,613,116 alleles (0.000062%); highest among the groups gnomAD compares: Non-Finnish European, 0.000085%; no homozygotes.

Submissions (5):

Labcorp Genetics (formerly Invitae), Labcorp
Classification: Benign for Neurofibromatosis, type 1. Last evaluated: 2026-01-18. Review status: criteria provided, single submitter. Criteria: Invitae Variant Classification Sherloc (09022015). Collection method: clinical testing. Allele origin: germline.

Genome-Nilou Lab
Classification: Uncertain significance for Neurofibromatosis, type 1. Last evaluated: 2022-03-15. Review status: criteria provided, single submitter. Criteria: ACMG Guidelines, 2015. Collection method: clinical testing. Allele origin: germline. Affected: no.

Ambry Genetics
Classification: Uncertain significance for Cardiovascular phenotype; Hereditary cancer-predisposing syndrome. Last evaluated: 2021-03-28. Review status: criteria provided, single submitter. Criteria: Ambry Variant Classification Scheme 2023. Collection method: clinical testing. Allele origin: germline.

GeneDx
Classification: Uncertain significance. Last evaluated: 2020-07-20. Review status: criteria provided, single submitter. Criteria: GeneDx Variant Classification Process June 2021. Collection method: clinical testing. Allele origin: germline. Affected: yes.
Comment: Not observed in large population cohorts (Lek et al., 2016); In silico analysis supports that this missense variant does not alter protein structure/function; Observed in individuals with cancer, type not specified (Mandelker 2017); This variant is associated with the following publications: (PMID: 29233927, 28873162)

Ambry Genetics
Classification: Uncertain significance for Hereditary cancer-predisposing syndrome. Last evaluated: 2015-07-11. Review status: criteria provided, single submitter. Criteria: Ambry Autosomal Dominant and X-Linked criteria (10/2015). Collection method: clinical testing. Allele origin: germline. Observed: 1 variant allele.
Comment: <span style="font-size:12px">The p.V1739L variant (also known as c.5215G>C), located in coding exon 37 of the NF1 gene, results from a G to C substitution at nucleotide position 5215. The valine at codon 1739 is replaced by leucine, an amino acid with highly similar properties. This variant was not reported in population based cohorts in the following databases: Database of Single Nucleotide Polymorphisms (dbSNP), NHLBI Exome Sequencing Project (ESP), and 1000 Genomes Project. In the ESP, this variant was not observed in 6503 samples (13006 alleles) with coverage at this position. To date, this alteration has been detected with an allele frequency of approximately 0.002% (greater than 55000 alleles tested) in our clinical cohort.This amino acid position is highly conserved in available vertebrate species. In addition, this alteration is predicted to be tolerated by in silico analysis.Since supporting evidence is limited at this time, the clinical significance of this variant remains unclear.

NM_001042492.3(NF1):c.5215G>C (p.Val1739Leu)

Gene: NF1 (neurofibromin 1; plus strand). Cytogenetic location: 17q11.2.
Variant type: single nucleotide variant.
Coding change: c.5215G>C on transcript NM_001042492.3 (MANE Select); coding-DNA position 5215, G replaced by C.
Protein change: p.Val1739Leu; replaces valine 1739 with leucine.
Molecular consequence: missense variant.
Genome position (GRCh38, 1-based): chr17:31,326,199, G>C. VCF-style: chr17-31326199-G-C. GRCh37 (hg19) VCF-style: chr17-29653217-G-C.
Other names: c.5152G>C, p.Val1718Leu (NM_000267.4); short protein forms V1718L, V1739L.
Identifiers: ClinVar variation 232734 (VCV000232734.15), dbSNP rs876659956, ClinGen allele CA10580343.